The following is an entry in ClinVar:

ClinVar aggregate classification (germline): Uncertain significance (1 of 4 stars; one submission).

Conditions:
Familial cold autoinflammatory syndrome 3 (FCAS3). Also called: FAMILIAL ATYPICAL COLD URTICARIA; ANTIBODY DEFICIENCY AND IMMUNE DYSREGULATION, PLCG2-ASSOCIATED. Identifiers: Orphanet 300359, MedGen C3280914, MONDO:0013766, OMIM 614468.

Submission:

Labcorp Genetics (formerly Invitae), Labcorp
Classification: Uncertain significance for Familial cold autoinflammatory syndrome 3. Last evaluated: 2025-11-16. Review status: criteria provided, single submitter. Criteria: Invitae Variant Classification Sherloc (09022015). Collection method: clinical testing. Allele origin: germline.
Comment: This sequence change replaces lysine, which is basic and polar, with asparagine, which is neutral and polar, at codon 867 of the PLCG2 protein (p.Lys867Asn). This variant is not present in population databases (gnomAD no frequency). This variant has not been reported in the literature in individuals affected with PLCG2-related conditions. An algorithm developed to predict the effect of missense changes on protein structure and function (PolyPhen-2) suggests that this variant is likely to be tolerated. In summary, the available evidence is currently insufficient to determine the role of this variant in disease. Therefore, it has been classified as a Variant of Uncertain Significance.

NM_002661.5(PLCG2):c.2601A>T (p.Lys867Asn)

Gene: PLCG2 (phospholipase C gamma 2; plus strand). Cytogenetic location: 16q23.3.
Variant type: single nucleotide variant.
Coding change: c.2601A>T on transcript NM_002661.5 (MANE Select); coding-DNA position 2601, A replaced by T.
Protein change: p.Lys867Asn; replaces lysine 867 with asparagine.
Molecular consequence: missense variant.
Genome position (GRCh38, 1-based): chr16:81,931,516, A>T. VCF-style: chr16-81931516-A-T. GRCh37 (hg19) VCF-style: chr16-81965121-A-T.
Other names: c.2601A>T, p.Lys867Asn (NM_001425749.1, NM_001425750.1, NM_001425751.1); short protein forms K867N.
Identifiers: ClinVar variation 4804104 (VCV004804104.1).